The following is an entry in ClinVar:

ClinVar aggregate classification (germline): Uncertain significance (1 of 4 stars; one submission).

Conditions:
Autosomal recessive ataxia, Beauce type. Also called: SYNE1 Deficiency; Spinocerebellar ataxia, autosomal recessive 8; ATAXIA, RECESSIVE, OF BEAUCE; SYNE1-Related Autosomal Recessive Cerebellar Ataxia. Identifiers: Orphanet 88644, MedGen C1853116, MONDO:0012549, OMIM 610743.
Emery-Dreifuss muscular dystrophy 4, autosomal dominant (EDMD4). Also called: EMERY-DREIFUSS MUSCULAR DYSTROPHY 4 WITH VARIABLE FEATURES. Identifiers: Orphanet 261, MedGen C2751807, MONDO:0013071, OMIM 612998.

Submission:

Labcorp Genetics (formerly Invitae), Labcorp
Classification: Uncertain significance for Emery-Dreifuss muscular dystrophy 4, autosomal dominant; Autosomal recessive ataxia, Beauce type. Last evaluated: 2022-03-10. Review status: criteria provided, single submitter. Criteria: Invitae Variant Classification Sherloc (09022015). Collection method: clinical testing. Allele origin: germline.
Comment: This sequence change replaces methionine, which is neutral and non-polar, with isoleucine, which is neutral and non-polar, at codon 7329 of the SYNE1 protein (p.Met7329Ile). This variant is present in population databases (no rsID available, gnomAD 0.002%). This variant has not been reported in the literature in individuals affected with SYNE1-related conditions. Algorithms developed to predict the effect of missense changes on protein structure and function are either unavailable or do not agree on the potential impact of this missense change (SIFT: "Deleterious"; PolyPhen-2: "Possibly Damaging"; Align-GVGD: "Class C0"). In summary, the available evidence is currently insufficient to determine the role of this variant in disease. Therefore, it has been classified as a Variant of Uncertain Significance.

NM_182961.4(SYNE1):c.22200G>A (p.Met7400Ile)

Gene: SYNE1 (spectrin repeat containing nuclear envelope protein 1; minus strand). Cytogenetic location: 6q25.2.
Variant type: single nucleotide variant.
Coding change: c.22200G>A on transcript NM_182961.4 (MANE Select); coding-DNA position 22200, G replaced by A.
Protein change: p.Met7400Ile; replaces methionine 7400 with isoleucine.
Molecular consequence: missense variant.
Genome position (GRCh38, 1-based): chr6:152,215,052, C>T on the plus strand (G>A on the coding strand, the complement: SYNE1 is on the minus strand). VCF-style: chr6-152215052-C-T. GRCh37 (hg19) VCF-style: chr6-152536187-C-T.
Other names: c.21987G>A, p.Met7329Ile (NM_033071.5); short protein forms M7329I, M7400I.
Identifiers: ClinVar variation 1990451 (VCV001990451.4), dbSNP rs1395658637, ClinGen allele CA366101431.